The following is an entry in ClinVar:

ClinVar aggregate classification (germline): Uncertain significance (1 of 4 stars; one submission).

Submission:

GeneDx
Classification: Uncertain significance. Last evaluated: 2017-12-28. Review status: criteria provided, single submitter. Criteria: GeneDx Variant Classification (06012015). Collection method: clinical testing. Allele origin: germline. Affected: yes.
Comment: The c.437_439dupTCC variant has not been published as a pathogenic variant, nor has it been reported as a benign variant to our knowledge. The c.437_439dupTCC variant is not observed in large population cohorts (Lek et al., 2016). The c.437_439dupTCC variant results in an in-frame duplication of a single Leucine residue, denoted p.Leu146dup. Based on the currently available information, it is unclear whether this variant is a pathogenic variant or a rare benign variant.

NM_003036.4(SKI):c.437_439dup (p.Leu146dup)

Gene: SKI (SKI proto-oncogene; plus strand). Cytogenetic location: 1p36.33.
Variant type: Duplication.
Coding change: c.437_439dup on transcript NM_003036.4 (MANE Select); coding-DNA positions 437 to 439, 3 bases duplicated (TCC; older notation c.437_439dupTCC).
Protein change: p.Leu146dup; duplicates leucine 146.
Molecular consequence: inframe insertion.
Genome position (GRCh38, 1-based): chr1:2,229,203-2,229,205, TCC duplicated; duplicating any 3 consecutive bases within chr1:2,229,202-2,229,205 gives the same sequence; the c. name uses the placement nearest the transcript's 3' end. VCF-style (leftmost placement, unchanged base first): chr1-2229201-G-GCTC. GRCh37 (hg19) VCF-style: chr1-2160640-G-GCTC.
Other names: c.437_439dupTCC (NM_003036.3).
Identifiers: ClinVar variation 504002 (VCV000504002.2), dbSNP rs1553189926, ClinGen allele CA658795369.
Genomic context (GRCh38, chr1:2,229,201, plus strand): 5'-GATTCTCAACTCGGTGCTGCGCGACTTCTCGCTGCAGCAGATCAACGCGGTGTGCGACGA[G>GCTC]CTCCACATCTACTGCTCGCGCTGCACGGCCGACCAGCTGGAGATCCTCAAAGTCATGGGC-3'